The following is an entry in ClinVar:

NM_003055.3(SLC18A3):c.704T>A (p.Leu235His)

Genes: CHAT (choline O-acetyltransferase; plus strand), SLC18A3 (solute carrier family 18 member A3; plus strand). Cytogenetic location: 10q11.23.
Variant type: single nucleotide variant.
Coding change: c.704T>A on transcript NM_003055.3 (MANE Select); coding-DNA position 704, T replaced by A.
Protein change: p.Leu235His; replaces leucine 235 with histidine.
Molecular consequence: missense variant. On other transcripts: intron variant (1).
Genome position (GRCh38, 1-based): chr10:49,611,444, T>A. VCF-style: chr10-49611444-T-A. GRCh37 (hg19) VCF-style: chr10-50819490-T-A.
Other names: c.-69+2245T>A (NM_020984.4); short protein forms L235H.
Identifiers: ClinVar variation 2715993 (VCV002715993.3), dbSNP rs1368301230, ClinGen allele CA376720358.

ClinVar aggregate classification (germline): Uncertain significance (1 of 4 stars; one submission).

Submission:

Labcorp Genetics (formerly Invitae), Labcorp
Classification: Uncertain significance. Last evaluated: 2023-08-07. Review status: criteria provided, single submitter. Criteria: Invitae Variant Classification Sherloc (09022015). Collection method: clinical testing. Allele origin: germline.
Comment: This sequence change replaces leucine, which is neutral and non-polar, with histidine, which is basic and polar, at codon 235 of the SLC18A3 protein (p.Leu235His). This variant is not present in population databases (gnomAD no frequency). This variant has not been reported in the literature in individuals affected with SLC18A3-related conditions. Advanced modeling of protein sequence and biophysical properties (such as structural, functional, and spatial information, amino acid conservation, physicochemical variation, residue mobility, and thermodynamic stability) performed at Invitae indicates that this missense variant is expected to disrupt SLC18A3 protein function. In summary, the available evidence is currently insufficient to determine the role of this variant in disease. Therefore, it has been classified as a Variant of Uncertain Significance.